The following is an entry in ClinVar:

NM_001042492.3(NF1):c.8160+4A>G

Gene: NF1 (neurofibromin 1; plus strand). Cytogenetic location: 17q11.2.
Variant type: single nucleotide variant.
Coding change: c.8160+4A>G on transcript NM_001042492.3 (MANE Select); 4 bases into the intron after coding-DNA position 8160, A replaced by G.
Molecular consequence: intron variant.
Genome position (GRCh38, 1-based): chr17:31,359,019, A>G. VCF-style: chr17-31359019-A-G. GRCh37 (hg19) VCF-style: chr17-29686037-A-G.
Other names: c.8097+4A>G (NM_000267.4).
Identifiers: ClinVar variation 827445 (VCV000827445.11), dbSNP rs1555537033, ClinGen allele CA915949937.

ClinVar aggregate classification (germline): Uncertain significance. Review status: criteria provided, multiple submitters, no conflicts (2 of 4 stars). 3 submissions from 3 submitters: Uncertain significance (3). Last evaluated 2024-04-25.

Conditions:
Hereditary cancer-predisposing syndrome. Also called: Neoplastic Syndromes, Hereditary; Hereditary Cancer Syndrome; Hereditary neoplastic syndrome; Tumor predisposition. Identifiers: Orphanet 140162, MedGen C0027672, MeSH D009386, MONDO:0015356.
Cardiovascular phenotype. Identifiers: MedGen CN230736.
Neurofibromatosis, type 1 (NF1). Also called: Neurofibromatosis, type I; Peripheral type neurofibromatosis; VON RECKLINGHAUSEN DISEASE; NEUROFIBROMATOSIS, TYPE I, SOMATIC. Identifiers: Orphanet 636, MedGen C0027831, MONDO:0018975, OMIM 162200. Disease mechanism: loss of function.

Submissions (3):

Labcorp Genetics (formerly Invitae), Labcorp
Classification: Uncertain significance for Neurofibromatosis, type 1. Last evaluated: 2024-04-25. Review status: criteria provided, single submitter. Criteria: Invitae Variant Classification Sherloc (09022015). Collection method: clinical testing. Allele origin: germline.
Comment: This sequence change falls in intron 55 of the NF1 gene. It does not directly change the encoded amino acid sequence of the NF1 protein. It affects a nucleotide within the consensus splice site. This variant is not present in population databases (gnomAD no frequency). This variant has not been reported in the literature in individuals affected with NF1-related conditions. ClinVar contains an entry for this variant (Variation ID: 827445). Variants that disrupt the consensus splice site are a relatively common cause of aberrant splicing (PMID: 17576681, 9536098). Algorithms developed to predict the effect of sequence changes on RNA splicing suggest that this variant is not likely to affect RNA splicing. In summary, the available evidence is currently insufficient to determine the role of this variant in disease. Therefore, it has been classified as a Variant of Uncertain Significance.

Genome-Nilou Lab
Classification: Uncertain significance for Neurofibromatosis, type 1. Last evaluated: 2022-03-15. Review status: criteria provided, single submitter. Criteria: ACMG Guidelines, 2015. Collection method: clinical testing. Allele origin: germline. Affected: no.

Ambry Genetics
Classification: Uncertain significance for Cardiovascular phenotype; Hereditary cancer-predisposing syndrome. Last evaluated: 2019-12-11. Review status: criteria provided, single submitter. Criteria: Ambry Variant Classification Scheme 2023. Collection method: clinical testing. Allele origin: germline.
Comment: The c.8097+4A>G intronic variant results from an A to G substitution 4 nucleotides after coding exon 55 in the NF1 gene. This nucleotide position is well conserved in available vertebrate species. Using two different splice site prediction tools, this alteration is predicted by ESEfinder to weaken the efficiency of the native splice donor site, but is not predicted to have a deleterious effect on this splice donor site by BDGP; however direct evidence is insufficient at this time (Ambry internal data). Since supporting evidence is limited at this time, the clinical significance of this alteration remains unclear.

Literature cited by the submitters: PubMed 17576681 (cited by Labcorp Genetics (formerly Invitae), Labcorp); PubMed 9536098 (cited by Labcorp Genetics (formerly Invitae), Labcorp).